The following is an entry in ClinVar:

ClinVar aggregate classification (germline): Uncertain significance (1 of 4 stars; one submission).

Conditions:
Immunodeficiency 104. Also called: Severe combined immunodeficiency, autosomal recessive, T cell-negative, B cell-positive, NK cell-positive; Severe Combined Immune Deficiency, Autosomal Recessive, TCell -Negative, B Cell-Positive, NK Cell-Positive, IL7R-Related; IMMUNODEFICIENCY 104, SEVERE COMBINED; SCID, AUTOSOMAL RECESSIVE, T CELL-NEGATIVE, B CELL-POSITIVE, NK CELL-POSITIVE. Identifiers: MedGen C5676890, MONDO:0012163, OMIM 608971.

Allele frequency attached by ClinVar (database versions not stated): TOPMed below 0.00001; gnomAD exomes 0.00001 and 0.00004; ExAC 0.00002.
gnomAD v4.1: 11 of 1,612,134 alleles (0.00068%); highest among the groups gnomAD compares: Admixed American, 0.018%; no homozygotes.

Submission:

Labcorp Genetics (formerly Invitae), Labcorp
Classification: Uncertain significance for Immunodeficiency 104. Last evaluated: 2022-07-05. Review status: criteria provided, single submitter. Criteria: Invitae Variant Classification Sherloc (09022015). Collection method: clinical testing. Allele origin: germline.
Comment: This sequence change replaces valine, which is neutral and non-polar, with alanine, which is neutral and non-polar, at codon 147 of the IL7R protein (p.Val147Ala). This variant is present in population databases (rs765765854, gnomAD 0.03%). This variant has not been reported in the literature in individuals affected with IL7R-related conditions. ClinVar contains an entry for this variant (Variation ID: 1369311). Algorithms developed to predict the effect of missense changes on protein structure and function are either unavailable or do not agree on the potential impact of this missense change (SIFT: "Deleterious"; PolyPhen-2: "Benign"; Align-GVGD: "Class C25"). In summary, the available evidence is currently insufficient to determine the role of this variant in disease. Therefore, it has been classified as a Variant of Uncertain Significance.

NM_002185.5(IL7R):c.440T>C (p.Val147Ala)

Gene: IL7R (interleukin 7 receptor; plus strand). Cytogenetic location: 5p13.2.
Variant type: single nucleotide variant.
Coding change: c.440T>C on transcript NM_002185.5 (MANE Select); coding-DNA position 440, T replaced by C.
Protein change: p.Val147Ala; replaces valine 147 with alanine.
Molecular consequence: missense variant. On other transcripts: non-coding transcript variant (1).
Genome position (GRCh38, 1-based): chr5:35,871,116, T>C. VCF-style: chr5-35871116-T-C. GRCh37 (hg19) VCF-style: chr5-35871218-T-C.
Other names: short protein forms V147A.
Identifiers: ClinVar variation 1369311 (VCV001369311.3), dbSNP rs765765854, ClinGen allele CA3231972.